The following is an entry in ClinVar:

NM_000523.4(HOXD13):c.868G>T (p.Glu290Ter)

Gene: HOXD13 (homeobox D13; plus strand). Cytogenetic location: 2q31.1.
Variant type: single nucleotide variant.
Coding change: c.868G>T on transcript NM_000523.4 (MANE Select); coding-DNA position 868, G replaced by T.
Protein change: p.Glu290Ter; replaces glutamic acid 290 with a stop codon.
Molecular consequence: nonsense.
Genome position (GRCh38, 1-based): chr2:176,094,566, G>T. VCF-style: chr2-176094566-G-T. GRCh37 (hg19) VCF-style: chr2-176959294-G-T.
Other names: short protein forms E290*.
Identifiers: ClinVar variation 4851574 (VCV004851574.1).

ClinVar aggregate classification (germline): Likely pathogenic (1 of 4 stars; one submission).

Conditions:
Syndactyly type 5. Also called: SYNDACTYLY WITH METACARPAL AND METATARSAL FUSION; Syndactyly, type V; Syndactyly with associated metacarpal and metatarsal fusion. Identifiers: Orphanet 93406, MedGen C1861348, MONDO:0008516, OMIM 186300.

Submission:

CGC Genetics, Unilabs
Classification: Likely pathogenic for Syndactyly type 5. Last evaluated: 2025-08-27. Review status: criteria provided, single submitter. Criteria: ACMG Guidelines, 2015. Collection method: clinical testing. Allele origin: inherited. Inheritance: Autosomal dominant inheritance. Affected: yes. Observed: 2 variant alleles.
Comment: The NM_000523.4:c.868G>T p.(Glu290*) variant, detected in heterozygosity in exon 2 (of 2) of the HOXD13 gene (chr.2), is not described in the literature or in the gnomAD population database. Given its nature (nonsense), the introduction of a premature stop codon and the production of a truncated protein is expected. However, since this variant is located in the last exon of the gene, it is possible that it escapes NMD (nonsense-mediated decay). With the information currently available, this should be classified as a likely pathogenic variant.